The following is an entry in ClinVar:

ClinVar aggregate classification (germline): Uncertain significance (1 of 4 stars; one submission).

Conditions:
Combined oxidative phosphorylation defect type 17. Also called: Combined oxidative phosphorylation deficiency 17. Identifiers: Orphanet 369913, MedGen C3809526, MONDO:0014190, OMIM 615440.

Allele frequency attached by ClinVar (database versions not stated): TOPMed below 0.00001; gnomAD 0.00001.
gnomAD v4.1: 1 of 1,613,894 alleles (0.000062%); highest among the groups gnomAD compares: East Asian, 0.0022%; no homozygotes.

Submission:

Labcorp Genetics (formerly Invitae), Labcorp
Classification: Uncertain significance for Combined oxidative phosphorylation defect type 17. Last evaluated: 2022-05-22. Review status: criteria provided, single submitter. Criteria: Invitae Variant Classification Sherloc (09022015). Collection method: clinical testing. Allele origin: germline.
Comment: In summary, the available evidence is currently insufficient to determine the role of this variant in disease. Therefore, it has been classified as a Variant of Uncertain Significance. Algorithms developed to predict the effect of missense changes on protein structure and function (SIFT, PolyPhen-2, Align-GVGD) all suggest that this variant is likely to be disruptive. This variant has not been reported in the literature in individuals affected with ELAC2-related conditions. This variant is not present in population databases (gnomAD no frequency). This sequence change replaces aspartic acid, which is acidic and polar, with tyrosine, which is neutral and polar, at codon 550 of the ELAC2 protein (p.Asp550Tyr).

NM_018127.7(ELAC2):c.1648G>T (p.Asp550Tyr)

Gene: ELAC2 (elaC ribonuclease Z 2; minus strand). Cytogenetic location: 17p12.
Variant type: single nucleotide variant.
Coding change: c.1648G>T on transcript NM_018127.7 (MANE Select); coding-DNA position 1648, G replaced by T.
Protein change: p.Asp550Tyr; replaces aspartic acid 550 with tyrosine.
Molecular consequence: missense variant.
Genome position (GRCh38, 1-based): chr17:12,996,558, C>A on the plus strand (G>T on the coding strand, the complement: ELAC2 is on the minus strand). VCF-style: chr17-12996558-C-A. GRCh37 (hg19) VCF-style: chr17-12899875-C-A.
Other names: c.1528G>T, p.Asp510Tyr (NM_001165962.2); c.1645G>T, p.Asp549Tyr (NM_173717.2); short protein forms D510Y, D550Y, D549Y.
Identifiers: ClinVar variation 2165132 (VCV002165132.2), dbSNP rs1368170599, ClinGen allele CA398223848.